The following is an entry in ClinVar:

ClinVar aggregate classification (germline): Uncertain significance. Review status: criteria provided, multiple submitters, no conflicts (2 of 4 stars). 3 submissions from 3 submitters: Uncertain significance (3). Last evaluated 2025-07-15.

Conditions:
Inborn genetic diseases. Identifiers: MedGen C0950123, MeSH D030342.
Hypersulfaturia (HYSULF). Identifiers: MedGen C5830511, MONDO:0957268, OMIM 620372.
Nephrolithiasis susceptibility caused by SLC26A1 (CAON1). Also called: NEPHROLITHIASIS, CALCIUM OXALATE, 1. Identifiers: MedGen C5779632, MONDO:0020722, OMIM 167030.

gnomAD v4.1: 33 of 1,594,000 alleles (0.0021%); highest among the groups gnomAD compares: Middle Eastern, 0.034%; no homozygotes.

Submissions (3):

Ambry Genetics
Classification: Uncertain significance for Inborn genetic diseases. Last evaluated: 2025-07-15. Review status: criteria provided, single submitter. Criteria: Ambry Variant Classification Scheme 2023. Collection method: clinical testing. Allele origin: germline.

Fulgent Genetics
Classification: Uncertain significance for Nephrolithiasis susceptibility caused by SLC26A1; Hypersulfaturia. Last evaluated: 2024-06-18. Review status: criteria provided, single submitter. Criteria: ACMG Guidelines, 2015. Collection method: clinical testing. Allele origin: germline.

Labcorp Genetics (formerly Invitae), Labcorp
Classification: Uncertain significance. Last evaluated: 2022-08-24. Review status: criteria provided, single submitter. Criteria: Invitae Variant Classification Sherloc (09022015). Collection method: clinical testing. Allele origin: germline.
Comment: This sequence change replaces arginine, which is basic and polar, with leucine, which is neutral and non-polar, at codon 455 of the SLC26A1 protein (p.Arg455Leu). The frequency data for this variant in the population databases is considered unreliable, as metrics indicate poor data quality at this position in the gnomAD database. This variant has not been reported in the literature in individuals affected with SLC26A1-related conditions. Algorithms developed to predict the effect of missense changes on protein structure and function are either unavailable or do not agree on the potential impact of this missense change (SIFT: "Deleterious"; PolyPhen-2: "Probably Damaging"; Align-GVGD: "Class C0"). In summary, the available evidence is currently insufficient to determine the role of this variant in disease. Therefore, it has been classified as a Variant of Uncertain Significance.

NM_022042.4(SLC26A1):c.1364G>T (p.Arg455Leu)

Genes: IDUA (alpha-L-iduronidase; plus strand), SLC26A1 (solute carrier family 26 member 1; minus strand). Cytogenetic location: 4p16.3.
Variant type: single nucleotide variant.
Coding change: c.1364G>T on transcript NM_022042.4 (MANE Select); coding-DNA position 1364, G replaced by T.
Protein change: p.Arg455Leu; replaces arginine 455 with leucine.
Molecular consequence: missense variant. On other transcripts: intron variant (2).
Genome position (GRCh38, 1-based): chr4:989,575, C>A on the plus strand (G>T on the coding strand, the complement: SLC26A1 is on the minus strand). VCF-style: chr4-989575-C-A. GRCh37 (hg19) VCF-style: chr4-983363-C-A.
Other names: c.1364G>T, p.Arg455Leu (NM_213613.4); c.576+1553G>T (NM_134425.4); c.299+1626C>A (NM_000203.5); short protein forms R455L.
Identifiers: ClinVar variation 2062973 (VCV002062973.8), dbSNP rs371025483, ClinGen allele CA2801394.